The following is an entry in ClinVar:

ClinVar aggregate classification (germline): Uncertain significance (1 of 4 stars; one submission).

Allele frequency attached by ClinVar (database versions not stated): gnomAD 0.00001; gnomAD exomes 0.00001.
gnomAD v4.1: 12 of 1,614,092 alleles (0.00074%); highest among the groups gnomAD compares: Non-Finnish European, 0.001%; no homozygotes.

Submission:

Women's Health and Genetics/Laboratory Corporation of America, LabCorp
Classification: Uncertain significance. Last evaluated: 2018-05-10. Review status: criteria provided, single submitter. Criteria: LabCorp Variant Classification Summary - May 2015. Collection method: clinical testing. Allele origin: germline.
Comment: Variant summary: RAG2 c.1006A>G (p.Lys336Glu) results in a conservative amino acid change in the encoded protein sequence. Three of five in-silico tools predict a damaging effect of the variant on protein function. The variant was absent in 121390 control chromosomes. The available data on variant occurrences in the general population are insufficient to allow any conclusion about variant significance. To our knowledge, no occurrence of c.1006A>G in individuals affected with Severe Combined Immunodeficiency Syndrome and no experimental evidence demonstrating its impact on protein function have been reported. No clinical diagnostic laboratories have submitted clinical-significance assessments for this variant to ClinVar after 2014. Based on the evidence outlined above, the variant was classified as uncertain significance.

NM_000536.4(RAG2):c.1006A>G (p.Lys336Glu)

Gene: RAG2 (recombination activating 2; minus strand). Cytogenetic location: 11p12.
Variant type: single nucleotide variant.
Coding change: c.1006A>G on transcript NM_000536.4 (MANE Select); coding-DNA position 1006, A replaced by G.
Protein change: p.Lys336Glu; replaces lysine 336 with glutamic acid.
Molecular consequence: missense variant.
Genome position (GRCh38, 1-based): chr11:36,593,163, T>C on the plus strand (A>G on the coding strand, the complement: RAG2 is on the minus strand). VCF-style: chr11-36593163-T-C. GRCh37 (hg19) VCF-style: chr11-36614713-T-C.
Other names: c.1006A>G, p.Lys336Glu (NM_001243785.2, NM_001243786.2); short protein forms K336E.
Identifiers: ClinVar variation 632967 (VCV000632967.1), dbSNP rs1490516072, ClinGen allele CA380141380.